The following is an entry in ClinVar:

NM_002336.3(LRP6):c.365C>G (p.Ser122Cys)

Gene: LRP6 (LDL receptor related protein 6; minus strand). Cytogenetic location: 12p13.2.
Variant type: single nucleotide variant.
Coding change: c.365C>G on transcript NM_002336.3 (MANE Select); coding-DNA position 365, C replaced by G.
Protein change: p.Ser122Cys; replaces serine 122 with cysteine.
Molecular consequence: missense variant. On other transcripts: non-coding transcript variant (1), intron variant (1), 5 prime UTR variant (2).
Genome position (GRCh38, 1-based): chr12:12,244,346, G>C on the plus strand (C>G on the coding strand, the complement: LRP6 is on the minus strand). VCF-style: chr12-12244346-G-C. GRCh37 (hg19) VCF-style: chr12-12397280-G-C.
Other names: c.-5+22335C>G (NM_001414252.1); c.365C>G, p.Ser122Cys (NM_001414245.1, NM_001414246.1, NM_001414247.1 and 6 more transcripts); c.-89C>G (NM_001414253.1); c.-85C>G (NM_001414254.1); short protein forms S122C.
Identifiers: ClinVar variation 3609374 (VCV003609374.2).

ClinVar aggregate classification (germline): Uncertain significance (1 of 4 stars; one submission).

Submission:

Labcorp Genetics (formerly Invitae), Labcorp
Classification: Uncertain significance. Last evaluated: 2024-03-13. Review status: criteria provided, single submitter. Criteria: Invitae Variant Classification Sherloc (09022015). Collection method: clinical testing. Allele origin: germline.
Comment: This sequence change replaces serine, which is neutral and polar, with cysteine, which is neutral and slightly polar, at codon 122 of the LRP6 protein (p.Ser122Cys). This variant is not present in population databases (gnomAD no frequency). This variant has not been reported in the literature in individuals affected with LRP6-related conditions. Advanced modeling of protein sequence and biophysical properties (such as structural, functional, and spatial information, amino acid conservation, physicochemical variation, residue mobility, and thermodynamic stability) performed at Invitae indicates that this missense variant is not expected to disrupt LRP6 protein function with a negative predictive value of 80%. In summary, the available evidence is currently insufficient to determine the role of this variant in disease. Therefore, it has been classified as a Variant of Uncertain Significance.